The following is an entry in ClinVar:

NM_000179.3(MSH6):c.2958C>A (p.Thr986=)

Gene: MSH6 (mutS homolog 6; plus strand). Cytogenetic location: 2p16.3.
Variant type: single nucleotide variant.
Coding change: c.2958C>A on transcript NM_000179.3 (MANE Select); coding-DNA position 2958, C replaced by A.
Protein change: p.Thr986=; no amino-acid change (threonine 986 retained).
Molecular consequence: synonymous variant.
Genome position (GRCh38, 1-based): chr2:47,800,941, C>A. VCF-style: chr2-47800941-C-A. GRCh37 (hg19) VCF-style: chr2-48028080-C-A.
Other names: p.Thr986=; c.2568C>A, p.Thr856= (NM_001281492.2); c.2052C>A, p.Thr684= (NM_001281493.2, NM_001281494.2).
Identifiers: ClinVar variation 383956 (VCV000383956.23), dbSNP rs757866392, ClinGen allele CA069862.
Genomic context (GRCh38, chr2:47,800,941, plus strand): 5'-CATAGTCTATTGGGGGATTGGTAGGAACCGTTACCAGCTGGAAATTCCTGAGAATTTCAC[C>A]ACTCGCAATTTGCCAGAAGAATACGAGTTGAAATCTACCAAGAAGGGCTGTAAACGATAC-3'
Protein context (NP_000170.1, residues 976-996): RYQLEIPENF[Thr986=]TRNLPEEYEL

ClinVar aggregate classification (germline): Benign/Likely benign. Review status: criteria provided, multiple submitters, no conflicts (2 of 4 stars). 7 submissions from 7 submitters: Benign (1); Likely benign (6). Last evaluated 2025-11-04.

Conditions:
Lynch syndrome 5 (LYNCH5). Also called: Hereditary non-polyposis colorectal cancer, type 5; Colorectal cancer, hereditary nonpolyposis, type 5. Identifiers: Orphanet 144, MedGen C1833477, MONDO:0013710, OMIM 614350. Disease mechanism: loss of function.
Hereditary cancer-predisposing syndrome. Also called: Hereditary Cancer Syndrome; Hereditary neoplastic syndrome; Neoplastic Syndromes, Hereditary; Tumor predisposition. Identifiers: Orphanet 140162, MedGen C0027672, MeSH D009386, MONDO:0015356.
Hereditary nonpolyposis colorectal neoplasms. Identifiers: MedGen C0009405, MeSH D003123.
Lynch syndrome. Identifiers: Orphanet 144, MedGen C4552100, MONDO:0005835. Disease mechanism: loss of function.

Allele frequency attached by ClinVar (database versions not stated): TOPMed 0.00002; gnomAD 0.00003.
gnomAD v4.1: 10 of 1,574,222 alleles (0.00064%); highest among the groups gnomAD compares: African/African-American, 0.014%; no homozygotes.

Submissions (7):

Labcorp Genetics (formerly Invitae), Labcorp
Classification: Likely benign for Hereditary nonpolyposis colorectal neoplasms. Last evaluated: 2025-11-04. Review status: criteria provided, single submitter. Criteria: Invitae Variant Classification Sherloc (09022015). Collection method: clinical testing. Allele origin: germline.

Mayo Clinic Laboratories, Mayo Clinic
Classification: Likely benign. Last evaluated: 2025-06-09. Review status: criteria provided, single submitter. Criteria: ACMG Guidelines, 2015. Collection method: clinical testing. Allele origin: germline. Observed: 1 variant allele.
Comment: BP4, BP7

Myriad Genetics, Inc.
Classification: Benign for Lynch syndrome 5. Last evaluated: 2025-01-02. Review status: criteria provided, single submitter. Criteria: Myriad Autosomal Dominant, Autosomal Recessive and X-Linked Classification Criteria (2023). Collection method: clinical testing. Allele origin: unknown.
Comment: This variant is considered benign. This variant is a silent/synonymous amino acid change and it is not expected to impact splicing.

All of Us Research Program, National Institutes of Health
Classification: Likely benign for Lynch syndrome. Last evaluated: 2023-11-30. Review status: criteria provided, single submitter. Criteria: ACMG Guidelines, 2015. Collection method: clinical testing. Allele origin: germline. Inheritance: Autosomal dominant inheritance. Observed: 2 variant alleles, 2 heterozygotes.
Comment: This study involves interpretation of variants in research participants for the purpose of population health screening. Participant phenotype was not available at the time of variant classification. Additional details can be found in publication PMID: 35346344, PMCID: PMC8962531

Ambry Genetics
Classification: Likely benign for Hereditary cancer-predisposing syndrome. Last evaluated: 2017-08-31. Review status: criteria provided, single submitter. Criteria: Ambry Variant Classification Scheme 2023. Collection method: clinical testing. Allele origin: germline.

Color Diagnostics, LLC DBA Color Health
Classification: Likely benign for Hereditary cancer-predisposing syndrome. Last evaluated: 2016-02-24. Review status: criteria provided, single submitter. Criteria: ACMG Guidelines, 2015. Collection method: clinical testing. Allele origin: germline.

GeneDx
Classification: Likely benign. Last evaluated: 2016-02-16. Review status: criteria provided, single submitter. Criteria: GeneDx Variant Classification (06012015). Collection method: clinical testing. Allele origin: germline. Affected: yes.
Comment: This variant is considered likely benign or benign based on one or more of the following criteria: it is a conservative change, it occurs at a poorly conserved position in the protein, it is predicted to be benign by multiple in silico algorithms, and/or has population frequency not consistent with disease.